The following is an entry in ClinVar:

ClinVar aggregate classification (germline): Likely benign. Review status: criteria provided, single submitter (1 of 4 stars). 2 submissions from 2 submitters: Likely benign (1). 1 of the submissions does not count toward it. Last evaluated 2024-08-13.

Conditions:
SETX-related disorder. Also called: SETX-related condition; SETX-related disorders. Identifiers: MedGen CN239403.
Amyotrophic lateral sclerosis type 4 (ALS4). Also called: NEURONOPATHY, DISTAL HEREDITARY MOTOR, WITH PYRAMIDAL FEATURES; AMYOTROPHIC LATERAL SCLEROSIS 4, JUVENILE. Identifiers: Orphanet 357043, MedGen C1865409, MONDO:0011223, OMIM 602433.
Spinocerebellar ataxia, autosomal recessive, with axonal neuropathy 2 (SCAN2). Also called: Ataxia-ocular apraxia-2; Ataxia with Oculomotor Apraxia Type 2; ATAXIA-OCULOMOTOR APRAXIA 2; Ataxia with Oculomotor Apraxia. Identifiers: Orphanet 64753, MedGen C1853761, MONDO:0018996, OMIM 606002.

gnomAD v4.1: 18 of 1,613,888 alleles (0.0011%); highest among the groups gnomAD compares: South Asian, 0.0055%; no homozygotes.

Submissions (2):

Labcorp Genetics (formerly Invitae), Labcorp
Classification: Likely benign for Amyotrophic lateral sclerosis type 4; Spinocerebellar ataxia, autosomal recessive, with axonal neuropathy 2. Last evaluated: 2024-08-13. Review status: criteria provided, single submitter. Criteria: Invitae Variant Classification Sherloc (09022015). Collection method: clinical testing. Allele origin: germline.

PreventionGenetics, part of Exact Sciences
Classification: Likely benign for SETX-related condition. Last evaluated: 2024-01-25. Review status: no assertion criteria provided. Collection method: clinical testing. Allele origin: germline. Not counted in ClinVar's aggregate classification.
Comment: This variant is classified as likely benign based on ACMG/AMP sequence variant interpretation guidelines (Richards et al. 2015 PMID: 25741868, with internal and published modifications).

NM_015046.7(SETX):c.5604G>A (p.Pro1868=)

Gene: SETX (senataxin; minus strand). Cytogenetic location: 9q34.13.
Variant type: single nucleotide variant.
Coding change: c.5604G>A on transcript NM_015046.7 (MANE Select); coding-DNA position 5604, G replaced by A.
Protein change: p.Pro1868=; no amino-acid change (proline 1868 retained).
Molecular consequence: synonymous variant.
Genome position (GRCh38, 1-based): chr9:132,298,257, C>T on the plus strand (G>A on the coding strand, the complement: SETX is on the minus strand). VCF-style: chr9-132298257-C-T. GRCh37 (hg19) VCF-style: chr9-135173644-C-T.
Other names: c.5604G>A, p.Pro1868= (NM_001351527.2, NM_001351528.2); c.5604G>A (NM_015046.5).
Identifiers: ClinVar variation 1587965 (VCV001587965.9), dbSNP rs373607369, ClinGen allele CA5296935.